The following is an entry in ClinVar:

NM_000276.4(OCRL):c.1478G>A (p.Arg493Gln)

Gene: OCRL (OCRL inositol polyphosphate-5-phosphatase; plus strand). Cytogenetic location: Xq26.1.
Variant type: single nucleotide variant.
Coding change: c.1478G>A on transcript NM_000276.4 (MANE Select); coding-DNA position 1478, G replaced by A.
Protein change: p.Arg493Gln; replaces arginine 493 with glutamine.
Molecular consequence: missense variant.
Genome position (GRCh38, 1-based): chrX:129,569,275, G>A. VCF-style: chrX-129569275-G-A. GRCh37 (hg19) VCF-style: chrX-128703252-G-A.
Other names: c.1481G>A, p.Arg494Gln (NM_001318784.2); c.1478G>A, p.Arg493Gln (NM_001587.4); short protein forms R493Q, R494Q.
Identifiers: ClinVar variation 2918137 (VCV002918137.3), dbSNP rs2521906115, ClinGen allele CA414616269.

ClinVar aggregate classification (germline): Likely pathogenic (1 of 4 stars; one submission).

Conditions:
Lowe syndrome (OCRL). Also called: LOWE OCULOCEREBRORENAL SYNDROME; PHOSPHATIDYLINOSITOL 4,5-BISPHOSPHATE 5-PHOSPHATASE DEFICIENCY; Oculocerebrorenal Syndrome. Identifiers: Orphanet 534, MedGen C0028860, MONDO:0010645, OMIM 309000.

Allele frequency attached by ClinVar (database versions not stated): gnomAD exomes below 0.00001.
gnomAD v4.1: 1 of 1,211,145 alleles (0.000083%); highest among the groups gnomAD compares: Non-Finnish European, 0.00011%; no homozygotes.

Submission:

Labcorp Genetics (formerly Invitae), Labcorp
Classification: Likely pathogenic for Lowe syndrome. Last evaluated: 2023-11-05. Review status: criteria provided, single submitter. Criteria: Invitae Variant Classification Sherloc (09022015). Collection method: clinical testing. Allele origin: germline.
Comment: This sequence change replaces arginine, which is basic and polar, with glutamine, which is neutral and polar, at codon 493 of the OCRL protein (p.Arg493Gln). This variant is not present in population databases (gnomAD no frequency). This variant has not been reported in the literature in individuals affected with OCRL-related conditions. Advanced modeling of protein sequence and biophysical properties (such as structural, functional, and spatial information, amino acid conservation, physicochemical variation, residue mobility, and thermodynamic stability) performed at Invitae indicates that this missense variant is expected to disrupt OCRL protein function with a positive predictive value of 95%. This variant disrupts the p.Arg493 amino acid residue in OCRL. Other variant(s) that disrupt this residue have been determined to be pathogenic (PMID: 17162149, 31674016, 34680992). This suggests that this residue is clinically significant, and that variants that disrupt this residue are likely to be disease-causing. In summary, the currently available evidence indicates that the variant is pathogenic, but additional data are needed to prove that conclusively. Therefore, this variant has been classified as Likely Pathogenic.

Literature cited by the submitters: PubMed 17162149; PubMed 31674016; PubMed 34680992.